The following is an entry in ClinVar:

NM_002474.3(MYH11):c.4884C>T (p.Asp1628=)

Genes: MYH11 (myosin heavy chain 11; minus strand), NDE1 (nudE neurodevelopment protein 1; plus strand). Cytogenetic location: 16p13.11.
Variant type: single nucleotide variant.
Coding change: c.4884C>T on transcript NM_002474.3 (MANE Select); coding-DNA position 4884, C replaced by T.
Protein change: p.Asp1628=; no amino-acid change (aspartic acid 1628 retained).
Molecular consequence: synonymous variant. On other transcripts: intron variant (2).
Genome position (GRCh38, 1-based): chr16:15,720,220, G>A on the plus strand (C>T on the coding strand, the complement: MYH11 is on the minus strand). VCF-style: chr16-15720220-G-A. GRCh37 (hg19) VCF-style: chr16-15814077-G-A.
Other names: c.4905C>T, p.Asp1635= (NM_001040113.2, NM_001040114.2); c.4884C>T, p.Asp1628= (NM_022844.3); c.948-3971G>A (NM_001143979.2, NM_017668.3).
Identifiers: ClinVar variation 263812 (VCV000263812.15), dbSNP rs780786328, ClinGen allele CA7921519.

ClinVar aggregate classification (germline): Likely benign. Review status: criteria provided, multiple submitters, no conflicts (2 of 4 stars). 6 submissions from 6 submitters: Likely benign (6). Last evaluated 2026-01-01.

Conditions:
Cardiovascular phenotype. Identifiers: MedGen CN230736.
Familial thoracic aortic aneurysm and aortic dissection (TAAD). Also called: Thoracic aortic aneurysms and dissections. Identifiers: Orphanet 91387, MedGen C4707243, MONDO:0019625.
Aortic aneurysm, familial thoracic 4 (AAT4). Also called: AORTIC ANEURYSM/AORTIC DISSECTION AND PATENT DUCTUS ARTERIOSUS. Identifiers: MedGen C1851504, MONDO:0007568, OMIM 132900.

Allele frequency attached by ClinVar (database versions not stated): ExAC 0.00001; gnomAD 0.00001; gnomAD exomes 0.00002 and 0.00001; TOPMed 0.00001.
gnomAD v4.1: 35 of 1,614,000 alleles (0.0022%); highest among the groups gnomAD compares: Non-Finnish European, 0.0026%; no homozygotes.

Submissions (6):

Labcorp Genetics (formerly Invitae), Labcorp
Classification: Likely benign for Aortic aneurysm, familial thoracic 4. Last evaluated: 2026-01-01. Review status: criteria provided, single submitter. Criteria: Invitae Variant Classification Sherloc (09022015). Collection method: clinical testing. Allele origin: germline.

Women's Health and Genetics/Laboratory Corporation of America, LabCorp
Classification: Likely benign. Last evaluated: 2024-12-06. Review status: criteria provided, single submitter. Criteria: LabCorp Variant Classification Summary - May 2015. Collection method: clinical testing. Allele origin: germline.

All of Us Research Program, National Institutes of Health
Classification: Likely benign for Familial thoracic aortic aneurysm and aortic dissection. Last evaluated: 2024-09-23. Review status: criteria provided, single submitter. Criteria: ACMG Guidelines, 2015. Collection method: clinical testing. Allele origin: germline. Inheritance: Autosomal dominant inheritance. Observed: 8 variant alleles, 8 heterozygotes.
Comment: This study involves interpretation of variants in research participants for the purpose of population health screening. Participant phenotype was not available at the time of variant classification. Additional details can be found in publication PMID: 35346344, PMCID: PMC8962531

Color Diagnostics, LLC DBA Color Health
Classification: Likely benign for Familial thoracic aortic aneurysm and aortic dissection. Last evaluated: 2019-02-08. Review status: criteria provided, single submitter. Criteria: ACMG Guidelines, 2015. Collection method: clinical testing. Allele origin: germline.

GeneDx
Classification: Likely benign. Last evaluated: 2018-01-08. Review status: criteria provided, single submitter. Criteria: GeneDx Variant Classification (06012015). Collection method: clinical testing. Allele origin: germline. Affected: yes.
Comment: This variant is considered likely benign or benign based on one or more of the following criteria: it is a conservative change, it occurs at a poorly conserved position in the protein, it is predicted to be benign by multiple in silico algorithms, and/or has population frequency not consistent with disease.

Ambry Genetics
Classification: Likely benign for Cardiovascular phenotype. Last evaluated: 2014-02-25. Review status: criteria provided, single submitter. Criteria: Ambry Autosomal Dominant and X-Linked criteria (10/2015). Collection method: clinical testing. Allele origin: germline. Observed: 1 variant allele.